The following is an entry in ClinVar:

NM_001166108.2(PALLD):c.2100G>C (p.Pro700=)

Gene: PALLD (palladin, cytoskeletal associated protein; plus strand). Cytogenetic location: 4q32.3.
Variant type: single nucleotide variant.
Coding change: c.2100G>C on transcript NM_001166108.2 (MANE Select); coding-DNA position 2100, G replaced by C.
Protein change: p.Pro700=; no amino-acid change (proline 700 retained).
Molecular consequence: synonymous variant. On other transcripts: 5 prime UTR variant (4).
Genome position (GRCh38, 1-based): chr4:168,891,057, G>C. VCF-style: chr4-168891057-G-C. GRCh37 (hg19) VCF-style: chr4-169812208-G-C.
Other names: c.954G>C, p.Pro318= (NM_001166109.2); c.639G>C, p.Pro213= (NM_001166110.2); c.-22G>C (NM_001367567.1, NM_001367568.1, NM_001367569.1 and 1 more transcripts); c.2100G>C, p.Pro700= (NM_016081.4).
Identifiers: ClinVar variation 542938 (VCV000542938.6), dbSNP rs1553968628, ClinGen allele CA442113559.

ClinVar aggregate classification (germline): Uncertain significance (1 of 4 stars; one submission).

Conditions:
Pancreatic adenocarcinoma. Identifiers: MedGen C0281361, MONDO:0006047, HP:0006725.

Submission:

Labcorp Genetics (formerly Invitae), Labcorp
Classification: Uncertain significance for Pancreatic adenocarcinoma. Last evaluated: 2017-10-15. Review status: criteria provided, single submitter. Criteria: Invitae Variant Classification Sherloc (09022015). Collection method: clinical testing. Allele origin: germline.
Comment: Nucleotide substitutions within the consensus splice site are relatively common causes of aberrant splicing (PMID: 17576681, 9536098). Algorithms developed to predict the effect of sequence changes on RNA splicing suggest that this variant may disrupt the consensus splice site, but this prediction has not been confirmed by published transcriptional studies. This sequence change affects codon 213 of the PALLD mRNA. It is a 'silent' change, meaning that it does not change the encoded amino acid sequence of the PALLD protein. This variant also falls at the last nucleotide of exon 3 of the PALLD coding sequence, which is part of the consensus splice site for this exon. This variant is not present in population databases (ExAC no frequency). This variant has not been reported in the literature in individuals with PALLD-related disease. In summary, the available evidence is currently insufficient to determine the role of this variant in disease. Therefore, it has been classified as a Variant of Uncertain Significance.

Literature cited by the submitters: PubMed 17576681; PubMed 9536098.